The following is an entry in ClinVar:

ClinVar aggregate classification (germline): Likely benign (1 of 4 stars; one submission).

Conditions:
PHIP-related disorder. Also called: PHIP-related condition; PHIP-related disorders.

Submission:

PreventionGenetics, part of Exact Sciences
Classification: Likely benign for PHIP-related condition. Last evaluated: 2025-05-13. Review status: criteria provided, single submitter. Criteria: ACMG Guidelines, 2015. Collection method: clinical testing. Allele origin: germline.
Comment: This variant is classified as likely benign based on ACMG/AMP sequence variant interpretation guidelines (Richards et al. 2015 PMID: 25741868, with internal and published modifications).

NM_017934.7(PHIP):c.1638T>C (p.Ser546=)

Gene: PHIP (PHIP subunit of CUL4-Ring ligase complex; minus strand). Cytogenetic location: 6q14.1.
Variant type: single nucleotide variant.
Coding change: c.1638T>C on transcript NM_017934.7 (MANE Select); coding-DNA position 1638, T replaced by C.
Protein change: p.Ser546=; no amino-acid change (serine 546 retained).
Molecular consequence: synonymous variant.
Genome position (GRCh38, 1-based): chr6:79,003,745, A>G on the plus strand (T>C on the coding strand, the complement: PHIP is on the minus strand). VCF-style: chr6-79003745-A-G. GRCh37 (hg19) VCF-style: chr6-79713462-A-G.
Identifiers: ClinVar variation 4990491 (VCV004990491.1).